The following is an entry in ClinVar:

NM_006031.6(PCNT):c.1032+9G>C

Gene: PCNT (pericentrin; plus strand). Cytogenetic location: 21q22.3.
Variant type: single nucleotide variant.
Coding change: c.1032+9G>C on transcript NM_006031.6 (MANE Select); 9 bases into the intron after coding-DNA position 1032, G replaced by C.
Molecular consequence: intron variant.
Genome position (GRCh38, 1-based): chr21:46,347,521, G>C. VCF-style: chr21-46347521-G-C. GRCh37 (hg19) VCF-style: chr21-47767435-G-C.
Other names: c.1032+9G>C (NM_006031.5); c.678+9G>C (NM_001315529.2).
Identifiers: ClinVar variation 2876554 (VCV002876554.4), dbSNP rs2084111953, ClinGen allele CA512729223.

ClinVar aggregate classification (germline): Likely benign. Review status: criteria provided, single submitter (1 of 4 stars). 2 submissions from 2 submitters: Likely benign (1). 1 of the submissions does not count toward it. Last evaluated 2023-09-21.

Conditions:
PCNT-related disorder. Also called: PCNT-related condition.

Allele frequency attached by ClinVar (database versions not stated): gnomAD exomes below 0.00001; TOPMed below 0.00001.
gnomAD v4.1: 1 of 1,613,818 alleles (0.000062%); highest among the groups gnomAD compares: Non-Finnish European, 0.000085%; no homozygotes.

Submissions (2):

Labcorp Genetics (formerly Invitae), Labcorp
Classification: Likely benign. Last evaluated: 2023-09-21. Review status: criteria provided, single submitter. Criteria: Invitae Variant Classification Sherloc (09022015). Collection method: clinical testing. Allele origin: germline.

PreventionGenetics, part of Exact Sciences
Classification: Likely benign for PCNT-related condition. Last evaluated: 2022-08-31. Review status: no assertion criteria provided. Collection method: clinical testing. Allele origin: germline. Not counted in ClinVar's aggregate classification.
Comment: This variant is classified as likely benign based on ACMG/AMP sequence variant interpretation guidelines (Richards et al. 2015 PMID: 25741868, with internal and published modifications).